The following is an entry in ClinVar:

ClinVar aggregate classification (germline): Likely benign. Review status: criteria provided, single submitter (1 of 4 stars). 2 submissions from 2 submitters: Likely benign (1). 1 of the submissions does not count toward it. Last evaluated 2024-11-27.

Conditions:
ZFHX3-related disorder. Also called: ZFHX3-related condition.

Allele frequency attached by ClinVar (database versions not stated): ESP Exome Variant Server 0.00993; TOPMed 0.01215; gnomAD 0.01388; gnomAD exomes 0.01849; ExAC 0.02600; 1000 Genomes Project 30x 0.03888; 1000 Genomes Project 0.04193.
gnomAD v4.1: 29,151 of 1,614,004 alleles (1.8%); highest among the groups gnomAD compares: South Asian, 8.5%; 673 homozygotes.

Submissions (2):

Blueprint Genetics
Classification: Likely benign. Last evaluated: 2024-11-27. Review status: criteria provided, single submitter. Criteria: ACMG Guidelines, 2015. Collection method: clinical testing. Allele origin: germline.

PreventionGenetics, part of Exact Sciences
Classification: Benign for ZFHX3-related condition. Last evaluated: 2019-06-11. Review status: no assertion criteria provided. Collection method: clinical testing. Allele origin: germline. Not counted in ClinVar's aggregate classification.
Comment: This variant is classified as benign based on ACMG/AMP sequence variant interpretation guidelines (Richards et al. 2015 PMID: 25741868, with internal and published modifications).

NM_006885.4(ZFHX3):c.7155G>A (p.Pro2385=)

Genes: ZFHX3 (zinc finger homeobox 3; minus strand), ZFHX3-AS1 (ZFHX3 antisense RNA 1; plus strand). Cytogenetic location: 16q22.2.
Variant type: single nucleotide variant.
Coding change: c.7155G>A on transcript NM_006885.4 (MANE Select); coding-DNA position 7155, G replaced by A.
Protein change: p.Pro2385=; no amino-acid change (proline 2385 retained).
Molecular consequence: synonymous variant.
Genome position (GRCh38, 1-based): chr16:72,795,527, C>T on the plus strand (G>A on the coding strand, the complement: ZFHX3 is on the minus strand). VCF-style: chr16-72795527-C-T. GRCh37 (hg19) VCF-style: chr16-72829426-C-T.
Other names: c.4413G>A, p.Pro1471= (NM_001164766.2); c.7155G>A, p.Pro2385= (NM_001386735.1).
Identifiers: ClinVar variation 3059894 (VCV003059894.3), dbSNP rs62639997, ClinGen allele CA8163291.